The following is an entry in ClinVar:

ClinVar aggregate classification (germline): not provided (0 of 4 stars; one submission).

Conditions:
Normal pregnancy. Identifiers: MedGen C0232989.

Submission:

Institute of Molecular and Cell Biology, University of Tartu
No classification provided. Condition: Normal pregnancy. Review status: no classification provided. Collection method: case-control. Allele origin: unknown. Affected: yes. Study: Kasak2014.
Comment: The study aimed to determine the contribution of copy number variants in the genetic etiology of normal and complicated pregnancies. The samples represented (i) maternal blood DNA drawn from healthy pregnant women during 1st or 2nd trimester and (ii) maternal and paternal blood DNA drawn at term pregnancy cases representing normal and complicated gestations (severe preeclampsia, PE; gestational diabetes, GD; small-for-gestational age newborn, SGA; large-for-gestational age newborn, LGA). We performed CNV calling based on genome-wide genotyping dataset (Illumina HumanOmniExpress-24-v1 BeadChip) by applying three algorithms, QuantiSNP, GADA (Genome Alteration Detection Algorithm) and CNstream in parallel. The acquired CNV calls were merged with HD-CNV (Hotspot Detector for Copy Number Variants) program and only the CNVs predicted by at least two programs, were considered in subsequent analysis.

Literature cited by the submitters: PubMed 25666259.

Single allele

Genes: PSG1 (pregnancy specific beta-1-glycoprotein 1; minus strand), PSG11 (pregnancy specific beta-1-glycoprotein 11; minus strand), PSG2 (pregnancy specific beta-1-glycoprotein 2; minus strand), PSG4 (pregnancy specific beta-1-glycoprotein 4; minus strand), PSG5 (pregnancy specific beta-1-glycoprotein 5; minus strand) and 2 more. Cytogenetic location: 19q13.2-13.31.
Variant type: Deletion.
Identifiers: ClinVar variation 157451 (VCV000157451.2).